The following is an entry in ClinVar:

ClinVar aggregate classification (germline): Uncertain significance (1 of 4 stars; one submission).

Conditions:
EHHADH-related disorder. Also called: EHHADH-related condition.

Submission:

PreventionGenetics, part of Exact Sciences
Classification: Uncertain significance for EHHADH-related condition. Last evaluated: 2025-10-08. Review status: criteria provided, single submitter. Criteria: ACMG Guidelines, 2015. Collection method: clinical testing. Allele origin: germline.
Comment: The EHHADH c.1636C>T variant is predicted to result in the amino acid substitution p.Pro546Ser. To our knowledge, this variant has not been reported in the literature or in a large population database (gnomAD), indicating this variant is rare. At this time, the clinical significance of this variant is uncertain due to the absence of conclusive functional and genetic evidence.

NM_001966.4(EHHADH):c.1636C>T (p.Pro546Ser)

Gene: EHHADH (enoyl-CoA hydratase and 3-hydroxyacyl CoA dehydrogenase; minus strand). Cytogenetic location: 3q27.2.
Variant type: single nucleotide variant.
Coding change: c.1636C>T on transcript NM_001966.4 (MANE Select); coding-DNA position 1636, C replaced by T.
Protein change: p.Pro546Ser; replaces proline 546 with serine.
Molecular consequence: missense variant.
Genome position (GRCh38, 1-based): chr3:185,192,762, G>A on the plus strand (C>T on the coding strand, the complement: EHHADH is on the minus strand). VCF-style: chr3-185192762-G-A. GRCh37 (hg19) VCF-style: chr3-184910550-G-A.
Other names: c.1348C>T, p.Pro450Ser (NM_001166415.2); short protein forms P546S, P450S.
Identifiers: ClinVar variation 4984850 (VCV004984850.1).
Genomic context (GRCh38, chr3:185,192,762, plus strand): 5'-AGAGCACATCAGGAATTGGGCAGTACCTCCTATTACCCCTTTTTCGGGCAGGAGTTCCTG[G>A]AAGCAATGTAGGTCCAGTAAGACCTTGCCCCTTTCTAGATTTCCAGCCCACATCCAACCC-3'
Protein context (NP_001957.2, residues 536-556): GQGLTGPTLL[Pro546Ser]GTPARKRGNR